The following is an entry in ClinVar:

ClinVar aggregate classification (germline): Likely benign (1 of 4 stars; one submission).

Allele frequency attached by ClinVar (database versions not stated): TOPMed 0.00385; 1000 Genomes Project 0.00539; 1000 Genomes Project 30x 0.00578.
gnomAD v4.1: 553 of 152,318 alleles (0.36%); highest among the groups gnomAD compares: African/African-American, 1.3%; 4 homozygotes.

Submission:

GeneDx
Classification: Likely benign. Last evaluated: 2018-06-14. Review status: criteria provided, single submitter. Criteria: GeneDx Variant Classification (06012015). Collection method: clinical testing. Allele origin: germline. Affected: yes.
Comment: This variant is considered likely benign or benign based on one or more of the following criteria: it is a conservative change, it occurs at a poorly conserved position in the protein, it is predicted to be benign by multiple in silico algorithms, and/or has population frequency not consistent with disease.

NM_001999.4(FBN2):c.2096-306A>C

Gene: FBN2 (fibrillin 2; minus strand). Cytogenetic location: 5q23.3.
Variant type: single nucleotide variant.
Coding change: c.2096-306A>C on transcript NM_001999.4 (MANE Select); 306 bases into the intron before coding-DNA position 2096, A replaced by C.
Molecular consequence: intron variant.
Genome position (GRCh38, 1-based): chr5:128,369,640, T>G on the plus strand (A>C on the coding strand, the complement: FBN2 is on the minus strand). VCF-style: chr5-128369640-T-G. GRCh37 (hg19) VCF-style: chr5-127705333-T-G.
Identifiers: ClinVar variation 672908 (VCV000672908.1), dbSNP rs115985327, ClinGen allele CA127019390.